The following is an entry in ClinVar:

NM_152468.5(TMC8):c.871_883del (p.Gln291fs)

Gene: TMC8 (transmembrane channel like 8; plus strand). Cytogenetic location: 17q25.3.
Variant type: Deletion.
Coding change: c.871_883del on transcript NM_152468.5 (MANE Select); coding-DNA positions 871 to 883, 13 bases deleted (CAGACGGCCTGCC).
Protein change: p.Gln291fs; shifts the reading frame from glutamine 291.
Molecular consequence: frameshift variant.
Genome position (GRCh38, 1-based): chr17:78,134,448-78,134,460, CAGACGGCCTGCC deleted; deleting any 13 consecutive bases within chr17:78,134,445-78,134,460 gives the same sequence; the c. name uses the placement nearest the transcript's 3' end. VCF-style (leftmost placement, unchanged base first): chr17-78134444-GGCCCAGACGGCCT-G. GRCh37 (hg19) VCF-style: chr17-76130525-GGCCCAGACGGCCT-G.
Other names: short protein forms Q291fs.
Identifiers: ClinVar variation 2029511 (VCV002029511.4), dbSNP rs2510788970, ClinGen allele CA2580095248.
Genomic context (GRCh38, chr17:78,134,444, plus strand): 5'-TTCCGGGCAGGTGGAGCTGGAGGAGGGCCGTCGCTTCCAGCTGATGCAGCAGCAGACCCG[GGCCCAGACGGCCT>G]GCCGCCTGCTCTCCTACCTGCGGGTCAACGTACTCAACGGGCTCCTGGTGGTTGGGGCCA-3'

ClinVar aggregate classification (germline): Pathogenic (1 of 4 stars; one submission).

Conditions:
Epidermodysplasia verruciformis. Identifiers: Orphanet 302, MedGen C0014522, MONDO:0009176.

Submission:

Labcorp Genetics (formerly Invitae), Labcorp
Classification: Pathogenic for Epidermodysplasia verruciformis. Last evaluated: 2023-02-21. Review status: criteria provided, single submitter. Criteria: Invitae Variant Classification Sherloc (09022015). Collection method: clinical testing. Allele origin: germline.
Comment: For these reasons, this variant has been classified as Pathogenic. This variant has not been reported in the literature in individuals affected with TMC8-related conditions. This variant is not present in population databases (gnomAD no frequency). This sequence change creates a premature translational stop signal (p.Gln291Alafs*80) in the TMC8 gene. It is expected to result in an absent or disrupted protein product. Loss-of-function variants in TMC8 are known to be pathogenic (PMID: 12426567, 22158547).

Literature cited by the submitters: PubMed 12426567; PubMed 22158547.